The following is an entry in ClinVar:

NM_015338.6(ASXL1):c.2409_2420delinsTG (p.Gln803fs)

Gene: ASXL1 (ASXL transcriptional regulator 1; plus strand). Cytogenetic location: 20q11.21.
Variant type: Indel.
Coding change: c.2409_2420delinsTG on transcript NM_015338.6 (MANE Select); coding-DNA positions 2409 to 2420, AGGACCCACCGT replaced by TG.
Protein change: p.Gln803fs; shifts the reading frame from glutamine 803.
Molecular consequence: frameshift variant.
Genome position (GRCh38, 1-based): chr20:32,435,121-32,435,132, AGGACCCACCGT replaced by TG. VCF-style: chr20-32435121-AGGACCCACCGT-TG. GRCh37 (hg19) VCF-style: chr20-31022924-AGGACCCACCGT-TG.
Other names: c.2226_2237delinsTG, p.Gln742fs (NM_001363734.1); short protein forms Q742fs, Q803fs.
Identifiers: ClinVar variation 4535439 (VCV004535439.6).
Genomic context (GRCh38, chr20:32,435,121, plus strand): 5'-GGATGTTAGAACTGAATGTGAGTCTGGCACCACTTCCTGGGAAAGTGATGATGAGGAGCA[AGGACCCACCGT>TG]TCCTGCAGACAATGGTCCCATTCCGTCTCTAGTGGGAGATGATACATTAGAGAAAGGAAC-3'

ClinVar aggregate classification (germline): Likely pathogenic (1 of 4 stars; one submission).

Submission:

CeGaT Center for Human Genetics Tuebingen
Classification: Likely pathogenic. Last evaluated: 2025-11-01. Review status: criteria provided, single submitter. Criteria: CeGaT Center For Human Genetics Tuebingen Variant Classification Criteria Version 2. Collection method: clinical testing. Allele origin: germline. Affected: yes. Observed: 1 variant allele.
Comment: ASXL1: PVS1:Strong, PM2